The following is an entry in ClinVar:

ClinVar aggregate classification (germline): Likely pathogenic. Review status: criteria provided, multiple submitters, no conflicts (2 of 4 stars). 2 submissions from 2 submitters: Likely pathogenic (2). Last evaluated 2026-07-01.

Conditions:
Sifrim-Hitz-Weiss syndrome (SIHIWES). Also called: SIFRIM-HITZ-WEISS MULTIPLE CONGENITAL ANOMALIES-MENTAL RETARDATION SYNDROME; CHD4 Neurodevelopmental Disorder. Identifiers: Orphanet 653712, MedGen C4310688, MONDO:0014946, OMIM 617159.

Submissions (2):

CeGaT Center for Human Genetics Tuebingen
Classification: Likely pathogenic. Last evaluated: 2026-07-01. Review status: criteria provided, single submitter. Criteria: CeGaT Center For Human Genetics Tuebingen Variant Classification Criteria Version 2. Collection method: clinical testing. Allele origin: germline. Affected: yes. Observed: 1 variant allele.
Comment: CHD4: PM2, PS2:Moderate, PP2, PP3, PS4:Supporting

GeneDx
Classification: Likely pathogenic. Last evaluated: 2019-11-02. Review status: criteria provided, single submitter. Criteria: GeneDx Variant Classification Process June 2021. Collection method: clinical testing. Allele origin: germline. Affected: yes.
Comment: Not observed in large population cohorts (Lek et al., 2016); In silico analysis, which includes protein predictors and evolutionary conservation, supports a deleterious effect; Has not been previously published as pathogenic or benign to our knowledge

NM_001273.5(CHD4):c.4256G>A (p.Arg1419His)

Genes: CHD4 (chromodomain helicase DNA binding protein 4; minus strand), CHD4-AS1 (CHD4 antisense RNA 1; plus strand). Cytogenetic location: 12p13.31.
Variant type: single nucleotide variant.
Coding change: c.4256G>A on transcript NM_001273.5 (MANE Select); coding-DNA position 4256, G replaced by A.
Protein change: p.Arg1419His; replaces arginine 1419 with histidine.
Molecular consequence: missense variant.
Genome position (GRCh38, 1-based): chr12:6,582,729, C>T on the plus strand (G>A on the coding strand, the complement: CHD4 is on the minus strand). VCF-style: chr12-6582729-C-T. GRCh37 (hg19) VCF-style: chr12-6691895-C-T.
Other names: c.4235G>A, p.Arg1412His (NM_001297553.2); c.4217G>A, p.Arg1406His (NM_001363606.2); short protein forms R1406H, R1412H, R1419H.
Identifiers: ClinVar variation 1186273 (VCV001186273.4), dbSNP rs2136203174, ClinGen allele CA383575215.